The following is an entry in ClinVar:

NM_006218.4(PIK3CA):c.1154A>C (p.Glu385Ala)

Gene: PIK3CA (phosphatidylinositol-4,5-bisphosphate 3-kinase catalytic subunit alpha; plus strand). Cytogenetic location: 3q26.32.
Variant type: single nucleotide variant.
Coding change: c.1154A>C on transcript NM_006218.4 (MANE Select); coding-DNA position 1154, A replaced by C.
Protein change: p.Glu385Ala; replaces glutamic acid 385 with alanine.
Molecular consequence: missense variant.
Genome position (GRCh38, 1-based): chr3:179,209,603, A>C. VCF-style: chr3-179209603-A-C. GRCh37 (hg19) VCF-style: chr3-178927391-A-C.
Other names: short protein forms E385A.
Identifiers: ClinVar variation 3225326 (VCV003225326.2), dbSNP rs2108399122, ClinGen allele CA355261285.
Genomic context (GRCh38, chr3:179,209,603, plus strand): 5'-TTTGATGAAGACTTTTCTTGATGTATTATTTTTGCTTTAAAATTTTACATAGGTGGAATG[A>C]ATGGCTGAATTATGATATATACATTCCTGATCTTCCTCGTGCTGCTCGACTTTGCCTTTC-3'
Protein context (NP_006209.2, residues 375-395): RVPCSNPRWN[Glu385Ala]WLNYDIYIPD

ClinVar aggregate classification (germline): Uncertain significance. Review status: criteria provided, multiple submitters, no conflicts (2 of 4 stars). 2 submissions from 2 submitters: Uncertain significance (2). Last evaluated 2024-10-08.

Conditions:
Inborn genetic diseases. Identifiers: MedGen C0950123, MeSH D030342.

Submissions (2):

GeneDx
Classification: Uncertain significance. Last evaluated: 2024-10-08. Review status: criteria provided, single submitter. Criteria: GeneDx Variant Classification Process June 2021. Collection method: clinical testing. Allele origin: germline. Affected: yes.
Comment: Not observed at significant frequency in large population cohorts (gnomAD); In silico analysis supports that this missense variant has a deleterious effect on protein structure/function; Has not been previously published as pathogenic or benign to our knowledge

Ambry Genetics
Classification: Uncertain significance for Inborn genetic diseases. Last evaluated: 2023-09-21. Review status: criteria provided, single submitter. Criteria: Ambry Variant Classification Scheme 2023. Collection method: clinical testing. Allele origin: germline.
Comment: The p.E385A variant (also known as c.1154A>C), located in coding exon 6 of the PIK3CA gene, results from an A to C substitution at nucleotide position 1154. The glutamic acid at codon 385 is replaced by alanine, an amino acid with dissimilar properties. This amino acid position is conserved. In addition, this alteration is predicted to be deleterious by in silico analysis. Since supporting evidence is limited at this time, the clinical significance of this alteration remains unclear.